The following is an entry in ClinVar:

NM_005121.3(MED13):c.4005del (p.Leu1337fs)

Gene: MED13 (mediator complex subunit 13; minus strand). Cytogenetic location: 17q23.2.
Variant type: Deletion.
Coding change: c.4005del on transcript NM_005121.3 (MANE Select); coding-DNA position 4005, one base deleted (A; older notation c.4005delA).
Protein change: p.Leu1337fs; shifts the reading frame from leucine 1337.
Molecular consequence: frameshift variant.
Genome position (GRCh38, 1-based): chr17:61,968,221, T deleted on the plus strand (A on the coding strand, the reverse complement: MED13 is on the minus strand). VCF-style (leftmost placement, unchanged base first): chr17-61968220-AT-A. GRCh37 (hg19) VCF-style: chr17-60045581-AT-A.
Other names: short protein forms L1337fs.
Identifiers: ClinVar variation 5024247 (VCV005024247.1).

ClinVar aggregate classification (germline): Pathogenic (1 of 4 stars; one submission).

Conditions:
Inborn genetic diseases. Identifiers: MedGen C0950123, MeSH D030342.

Submission:

Ambry Genetics
Classification: Pathogenic for Inborn genetic diseases. Last evaluated: 2026-07-13. Review status: criteria provided, single submitter. Criteria: Ambry Variant Classification Scheme 2023. Collection method: clinical testing. Allele origin: germline.
Comment: The c.4005delA (p.L1337Cfs*33) alteration, located in exon 18 (coding exon 18) of the MED13 gene, consists of a deletion of one nucleotide at position 4005, causing a translational frameshift with a predicted alternate stop codon after 33 amino acids. This variant is expected to result in loss of function by premature protein truncation or nonsense-mediated mRNA decay. This variant was not reported in population-based cohorts in the Genome Aggregation Database (gnomAD). Based on the available evidence, this alteration is classified as pathogenic.